The following is an entry in ClinVar:

ClinVar aggregate classification (germline): Uncertain significance. Review status: criteria provided, multiple submitters, no conflicts (2 of 4 stars). 3 submissions from 3 submitters: Uncertain significance (2). 1 of the submissions does not count toward it. Last evaluated 2022-08-12.

Conditions:
Primary ciliary dyskinesia. Also called: Ciliary dyskinesia. Identifiers: Orphanet 244, MedGen C0008780, MONDO:0016575, HP:0012265.
DNAH11-related disorder. Also called: DNAH11-related condition.

Allele frequency attached by ClinVar (database versions not stated): TOPMed below 0.00001; gnomAD exomes 0.00001.
gnomAD v4.1: 4 of 1,611,734 alleles (0.00025%); highest among the groups gnomAD compares: Non-Finnish European, 0.00034%; no homozygotes.

Submissions (3):

Ambry Genetics
Classification: Uncertain significance for Primary ciliary dyskinesia. Last evaluated: 2022-08-12. Review status: criteria provided, single submitter. Criteria: Ambry Variant Classification Scheme 2023. Collection method: clinical testing. Allele origin: germline.

Labcorp Genetics (formerly Invitae), Labcorp
Classification: Uncertain significance for Primary ciliary dyskinesia. Last evaluated: 2022-04-10. Review status: criteria provided, single submitter. Criteria: Invitae Variant Classification Sherloc (09022015). Collection method: clinical testing. Allele origin: germline.
Comment: This sequence change replaces histidine, which is basic and polar, with tyrosine, which is neutral and polar, at codon 1835 of the DNAH11 protein (p.His1835Tyr). This variant is not present in population databases (gnomAD no frequency). This variant has not been reported in the literature in individuals affected with DNAH11-related conditions. Advanced modeling of protein sequence and biophysical properties (such as structural, functional, and spatial information, amino acid conservation, physicochemical variation, residue mobility, and thermodynamic stability) performed at Invitae indicates that this missense variant is not expected to disrupt DNAH11 protein function. In summary, the available evidence is currently insufficient to determine the role of this variant in disease. Therefore, it has been classified as a Variant of Uncertain Significance.

PreventionGenetics, part of Exact Sciences
Classification: Uncertain significance for DNAH11-related condition. Last evaluated: 2024-04-05. Review status: no assertion criteria provided. Collection method: clinical testing. Allele origin: germline. Not counted in ClinVar's aggregate classification.
Comment: The DNAH11 c.5503C>T variant is predicted to result in the amino acid substitution p.His1835Tyr. To our knowledge, this variant has not been reported in the literature or in a large population database, indicating this variant is rare. At this time, the clinical significance of this variant is uncertain due to the absence of conclusive functional and genetic evidence.

NM_001277115.2(DNAH11):c.5503C>T (p.His1835Tyr)

Gene: DNAH11 (dynein axonemal heavy chain 11; plus strand). Cytogenetic location: 7p15.3.
Variant type: single nucleotide variant.
Coding change: c.5503C>T on transcript NM_001277115.2 (MANE Select); coding-DNA position 5503, C replaced by T.
Protein change: p.His1835Tyr; replaces histidine 1835 with tyrosine.
Molecular consequence: missense variant.
Genome position (GRCh38, 1-based): chr7:21,683,826, C>T. VCF-style: chr7-21683826-C-T. GRCh37 (hg19) VCF-style: chr7-21723444-C-T.
Other names: c.5524C>T, p.His1842Tyr (NM_003777.3); c.5503C>T (NM_001277115.1); short protein forms H1835Y, H1842Y.
Identifiers: ClinVar variation 2165416 (VCV002165416.3), dbSNP rs1783248117, ClinGen allele CA366947547.